The following is an entry in ClinVar:

ClinVar aggregate classification (germline): Pathogenic (1 of 4 stars; one submission).

Submission:

Labcorp Genetics (formerly Invitae), Labcorp
Classification: Pathogenic. Last evaluated: 2023-12-18. Review status: criteria provided, single submitter. Criteria: Invitae Variant Classification Sherloc (09022015). Collection method: clinical testing. Allele origin: unknown.
Comment: This variant is a gross deletion of the genomic region encompassing exon(s) 6-10 of the SLC38A8 gene, which includes the termination codon. This deletion extends beyond the assayed region for this gene and therefore may encompass additional genes. While this deletion is not anticipated to lead to nonsense mediated decay, it is expected to alter mRNA translation or result in a truncated protein product. This variant has not been reported in the literature in individuals affected with SLC38A8-related conditions. This variant disrupts a region of the SLC38A8 protein in which other variant(s) (p.Asp283Ala) have been determined to be pathogenic (PMID: 28546991, 29345414, 33498813; Invitae). This suggests that this is a clinically significant region of the protein, and that variants that disrupt it are likely to be disease-causing. For these reasons, this variant has been classified as Pathogenic.

Literature cited by the submitters: PubMed 28546991; PubMed 29345414; PubMed 33498813.

NC_000016.9:g.(?_84043389)_(84056514_?)del

Gene: SLC38A8 (solute carrier family 38 member 8; minus strand). Cytogenetic location: 16q23.3.
Variant type: Deletion.
Identifiers: ClinVar variation 3243600 (VCV003243600.1).